The following is an entry in ClinVar:

NM_130837.3(OPA1):c.*4_*5+2del

Gene: OPA1 (OPA1 mitochondrial dynamin like GTPase; plus strand). Cytogenetic location: 3q29.
Variant type: Deletion.
Coding change: c.*4_*5+2del on transcript NM_130837.3 (MANE Select); 4 bases downstream of the stop codon through the canonical splice donor site of the intron after 5 bases downstream of the stop codon, 4 bases deleted (AAGT; older notation c.*4_*5+2delAAGT).
Molecular consequence: splice donor variant.
Genome position (GRCh38, 1-based): chr3:193,692,131-193,692,134, AAGT deleted; deleting any 4 consecutive bases within chr3:193,692,130-193,692,134 gives the same sequence; the c. name uses the placement nearest the transcript's 3' end. VCF-style (leftmost placement, unchanged base first): chr3-193692129-TTAAG-T. GRCh37 (hg19) VCF-style: chr3-193409918-TTAAG-T.
Other names: c.*4_*5+2delAAGT (NM_015560.3); c.*4_*5+2del (NM_015560.2, NM_001354664.2, NM_001354663.2 and 7 more transcripts); c.*3_*5+1delTAAG (NM_015560.3).
Identifiers: ClinVar variation 1184587 (VCV001184587.6), dbSNP rs754411271, ClinGen allele CA2759857.
Genomic context (GRCh38, chr3:193,692,129, plus strand): 5'-TTAGAGAAATTCAAGAAAAACTTGATGCTTTCATTGAAGCTCTTCATCAGGAGAAATAAA[TTAAG>T]TGAGTAAAAATTCTCTAACTGTATTGGTGCTGACTAAATACAAAATTACACTTTTCTTAA-3'

ClinVar aggregate classification (germline): Conflicting classifications of pathogenicity. Review status: criteria provided, conflicting classifications (1 of 4 stars). 5 submissions from 5 submitters: Likely pathogenic (1); Uncertain significance (3). 1 of the submissions does not count toward it. Last evaluated 2024-11-19.

Conditions:
Mitochondrial DNA depletion syndrome 14B (cardioencephalomyopathic type). Also called: Mitochondrial DNA depletion syndrome 14 (encephalocardiomyopathic type); Mitochondrial DNA depletion syndrome 14 (cardioencephalomyopathic type). Identifiers: MedGen C6065890, MONDO:0014820, OMIM 616896.

Submissions (5):

Women's Health and Genetics/Laboratory Corporation of America, LabCorp
Classification: Uncertain significance. Last evaluated: 2024-11-19. Review status: criteria provided, single submitter. Criteria: LabCorp Variant Classification Summary - May 2015. Collection method: clinical testing. Allele origin: germline.
Comment: Variant summary: OPA1 c.*4_*5+2delAAGT is located in the untranslated mRNA region downstream of the termination codon. The variant allele was found at a frequency of 2.7e-05 in 184752 control chromosomes (gnomAD). The available data on variant occurrences in the general population are insufficient to allow any conclusion about variant significance. To our knowledge, no occurrence of c.*4_*5+2delAAGT in individuals affected with OPA1-Related Disorders and no experimental evidence demonstrating its impact on protein function have been reported. ClinVar contains an entry for this variant (Variation ID: 1184587). Based on the evidence outlined above, the variant was classified as uncertain significance.

Revvity Omics, Revvity
Classification: Uncertain significance. Last evaluated: 2023-11-28. Review status: criteria provided, single submitter. Criteria: ACMG Guidelines, 2015. Collection method: clinical testing. Allele origin: germline.

Blueprint Genetics
Classification: Uncertain significance. Last evaluated: 2019-09-10. Review status: criteria provided, single submitter. Criteria: ACMG Guidelines, 2015. Collection method: clinical testing. Allele origin: germline.

Lifecell International Pvt. Ltd
Classification: Likely pathogenic for Mitochondrial DNA depletion syndrome 14B (cardioencephalomyopathic type). Review status: criteria provided, single submitter. Criteria: ACMG Guidelines, 2015. Collection method: clinical testing. Allele origin: germline. Inheritance: Autosomal recessive inheritance. Affected: yes. Observed: 1 homozygote.
Comment: "A Homozygote Intron, Splice site donor, c.*3_*5+1delTAAG in Exon 28 of the OPA1 gene that results in the amino acid substitution was identified. The observed variant has a minor allele frequency of 0.00003% in gnomAD exomes and genomes, respectively. The severity of the impact of this variant on the protein is high, based on the effect of the protein and REVEL score. Rare Exome Variant Ensemble Learner (REVEL) is an ensembl method for predicting the pathogenicity of missense variants based on a combination of scores from 13 individual tools: MutPred, FATHMM v2.3, VEST 3.0, PolyPhen-2, SIFT, PROVEAN, MutationAssessor, MutationTaster, LRT, GERP++, SiPhy, phyloP, and phastCons. The REVEL score for an individual missense variant can range from 0 to 1, with higher scores reflecting greater likelihood that the variant is disease-causing. ClinVar has also classified this variant as Likely Pathogenic (Variation ID: 1184587). Based on the above evidence this variant has been classified as Likely Pathogenic according to the ACMG guidelines. Mitochondrial DNA depletion syndrome-14 (MTDPS14) is caused by homozygous mutation in the OPA1 gene on chromosome 3q29. Clinical features may include hypotonia and peripheral hypertonia with opisthotonic posturing from birth, as well as feeding difficulties and profound neurodevelopmental delay, muscle wasting, sensorineural deafness, optic atrophy, and progressive cardiomyopathy."

Genomics England Pilot Project, Genomics England
Classification: Likely pathogenic for Mitochondrial DNA depletion syndrome 14B (cardioencephalomyopathic type). Review status: no assertion criteria provided. Criteria: ACGS Guidelines, 2016. Collection method: clinical testing. Allele origin: germline. Affected: yes. Not counted in ClinVar's aggregate classification.